The following is an entry in ClinVar:

NM_030665.4(RAI1):c.2540C>T (p.Thr847Ile)

Gene: RAI1 (retinoic acid induced 1; plus strand). Cytogenetic location: 17p11.2.
Variant type: single nucleotide variant.
Coding change: c.2540C>T on transcript NM_030665.4 (MANE Select); coding-DNA position 2540, C replaced by T.
Protein change: p.Thr847Ile; replaces threonine 847 with isoleucine.
Molecular consequence: missense variant.
Genome position (GRCh38, 1-based): chr17:17,795,488, C>T. VCF-style: chr17-17795488-C-T. GRCh37 (hg19) VCF-style: chr17-17698802-C-T.
Other names: short protein forms T847I.
Identifiers: ClinVar variation 2702262 (VCV002702262.3), dbSNP rs2508582144, ClinGen allele CA398551470.

ClinVar aggregate classification (germline): Uncertain significance (1 of 4 stars; one submission).

Submission:

Labcorp Genetics (formerly Invitae), Labcorp
Classification: Uncertain significance. Last evaluated: 2023-12-11. Review status: criteria provided, single submitter. Criteria: Invitae Variant Classification Sherloc (09022015). Collection method: clinical testing. Allele origin: germline.
Comment: This sequence change replaces threonine, which is neutral and polar, with isoleucine, which is neutral and non-polar, at codon 847 of the RAI1 protein (p.Thr847Ile). This variant is not present in population databases (gnomAD no frequency). This variant has not been reported in the literature in individuals affected with RAI1-related conditions. Advanced modeling of protein sequence and biophysical properties (such as structural, functional, and spatial information, amino acid conservation, physicochemical variation, residue mobility, and thermodynamic stability) performed at Invitae indicates that this missense variant is not expected to disrupt RAI1 protein function with a negative predictive value of 80%. In summary, the available evidence is currently insufficient to determine the role of this variant in disease. Therefore, it has been classified as a Variant of Uncertain Significance.